The following is an entry in ClinVar:

ClinVar aggregate classification (germline): Uncertain significance (1 of 4 stars; one submission).

gnomAD v4.1: 4 of 1,612,902 alleles (0.00025%); highest among the groups gnomAD compares: South Asian, 0.0011%; no homozygotes.

Submission:

Labcorp Genetics (formerly Invitae), Labcorp
Classification: Uncertain significance. Last evaluated: 2025-12-22. Review status: criteria provided, single submitter. Criteria: Invitae Variant Classification Sherloc (09022015). Collection method: clinical testing. Allele origin: germline.
Comment: This sequence change replaces alanine, which is neutral and non-polar, with threonine, which is neutral and polar, at codon 231 of the POLR3F protein (p.Ala231Thr). This variant is present in population databases (no rsID available, gnomAD 0.0009%). This variant has not been reported in the literature in individuals affected with POLR3F-related conditions. Experimental studies and prediction algorithms are not available or were not evaluated, and the functional significance of this variant is currently unknown. In summary, the available evidence is currently insufficient to determine the role of this variant in disease. Therefore, it has been classified as a Variant of Uncertain Significance.

NM_006466.4(POLR3F):c.814G>A (p.Ala272Thr)

Gene: POLR3F (RNA polymerase III subunit F; plus strand). Cytogenetic location: 20p11.23.
Variant type: single nucleotide variant.
Coding change: c.814G>A on transcript NM_006466.4 (MANE Select); coding-DNA position 814, G replaced by A.
Protein change: p.Ala272Thr; replaces alanine 272 with threonine.
Molecular consequence: missense variant. On other transcripts: non-coding transcript variant (1).
Genome position (GRCh38, 1-based): chr20:18,481,751, G>A. VCF-style: chr20-18481751-G-A. GRCh37 (hg19) VCF-style: chr20-18462395-G-A.
Other names: c.691G>A, p.Ala231Thr (NM_001282526.2); c.670G>A, p.Ala224Thr (NM_001410821.1); short protein forms A272T, A224T, A231T.
Identifiers: ClinVar variation 4733528 (VCV004733528.1).
Genomic context (GRCh38, chr20:18,481,751, plus strand): 5'-ATTATTGCTGCAAAAGAAGGCACAGTTGGCAGTGTAGATGGACACATGAAACTGTACAGG[G>A]CAGTCAATCCAATCATCCCTCCCACAGGTTTGGTCCGGGCACCCTGTGGACTCTGCCCGG-3'
Protein context (NP_006457.2, residues 262-282): SVDGHMKLYR[Ala272Thr]VNPIIPPTGL